The following is an entry in ClinVar:

NM_018706.7(DHTKD1):c.721A>T (p.Met241Leu)

Gene: DHTKD1 (dehydrogenase E1 and transketolase domain containing 1; plus strand). Cytogenetic location: 10p14.
Variant type: single nucleotide variant.
Coding change: c.721A>T on transcript NM_018706.7 (MANE Select); coding-DNA position 721, A replaced by T.
Protein change: p.Met241Leu; replaces methionine 241 with leucine.
Molecular consequence: missense variant.
Genome position (GRCh38, 1-based): chr10:12,088,989, A>T. VCF-style: chr10-12088989-A-T. GRCh37 (hg19) VCF-style: chr10-12130988-A-T.
Other names: p.Met241Leu; short protein forms M241L.
Identifiers: ClinVar variation 439598 (VCV000439598.20), dbSNP rs149066296, ClinGen allele CA5407634.

ClinVar aggregate classification (germline): Conflicting classifications of pathogenicity. Review status: criteria provided, conflicting classifications (1 of 4 stars). 4 submissions from 4 submitters: Uncertain significance (2); Likely benign (2). Last evaluated 2025-10-28.

Conditions:
2-aminoadipic 2-oxoadipic aciduria (AAKAD). Also called: ALPHA-AMINOADIPIC AND ALPHA-KETOADIPIC ACIDURIA; Aminoadipic aciduria. Identifiers: Orphanet 79154, MedGen C1859817, MONDO:0008774, OMIM 204750.

Allele frequency attached by ClinVar (database versions not stated): gnomAD 0.00086; TOPMed 0.00092; 1000 Genomes Project 30x 0.00156; ESP Exome Variant Server 0.00161; 1000 Genomes Project 0.00180.
gnomAD v4.1: 304 of 1,613,072 alleles (0.019%); highest among the groups gnomAD compares: African/African-American, 0.35%; 2 homozygotes.

Submissions (4):

Labcorp Genetics (formerly Invitae), Labcorp
Classification: Likely benign for 2-aminoadipic 2-oxoadipic aciduria. Last evaluated: 2025-10-28. Review status: criteria provided, single submitter. Criteria: Invitae Variant Classification Sherloc (09022015). Collection method: clinical testing. Allele origin: germline.

Women's Health and Genetics/Laboratory Corporation of America, LabCorp
Classification: Likely benign. Last evaluated: 2025-09-03. Review status: criteria provided, single submitter. Criteria: LabCorp Variant Classification Summary - May 2015. Collection method: clinical testing. Allele origin: germline.
Comment: Variant summary: DHTKD1 c.721A>T (p.Met241Leu) results in a conservative amino acid change in the encoded protein sequence. Algorithms developed to predict the effect of missense changes on protein structure and function are either unavailable or do not agree on the potential impact of this missense change. The variant allele was found at a frequency of 0.00026 in 250878 control chromosomes, predominantly at a frequency of 0.0036 within the African or African-American subpopulation in the gnomAD database, including 1 homozygotes. The observed variant frequency within African or African-American control individuals in the gnomAD database exceeds the estimated maximal expected allele frequency for disease-causing variants in DHTKD1. To our knowledge, no occurrence of c.721A>T in individuals affected with DHTKD1-related conditions and no experimental evidence demonstrating its impact on protein function have been reported. ClinVar contains an entry for this variant (Variation ID: 439598). Based on the evidence outlined above, the variant was classified as likely benign.

Mayo Clinic Laboratories, Mayo Clinic
Classification: Uncertain significance. Last evaluated: 2022-05-26. Review status: criteria provided, single submitter. Criteria: ACMG Guidelines, 2015. Collection method: clinical testing. Allele origin: germline. Observed: 2 variant alleles.

ARUP Laboratories, Molecular Genetics and Genomics, ARUP Laboratories
Classification: Uncertain significance. Last evaluated: 2017-01-31. Review status: criteria provided, single submitter. Criteria: ARUP Molecular Germline Variant Investigation Process. Collection method: clinical testing. Allele origin: germline.